The following is an entry in ClinVar:

NM_000384.3(APOB):c.8469T>C (p.Ala2823=)

Gene: APOB (apolipoprotein B; minus strand). Cytogenetic location: 2p24.1.
Variant type: single nucleotide variant.
Coding change: c.8469T>C on transcript NM_000384.3 (MANE Select); coding-DNA position 8469, T replaced by C.
Protein change: p.Ala2823=; no amino-acid change (alanine 2823 retained).
Molecular consequence: synonymous variant.
Genome position (GRCh38, 1-based): chr2:21,008,399, A>G on the plus strand (T>C on the coding strand, the complement: APOB is on the minus strand). VCF-style: chr2-21008399-A-G. GRCh37 (hg19) VCF-style: chr2-21231271-A-G.
Identifiers: ClinVar variation 477820 (VCV000477820.28), dbSNP rs531216195, ClinGen allele CA065691.

ClinVar aggregate classification (germline): Conflicting classifications of pathogenicity. Review status: criteria provided, conflicting classifications (1 of 4 stars). 9 submissions from 8 submitters: Uncertain significance (1); Benign (3); Likely benign (3). 2 of the submissions do not count toward it. Last evaluated 2025-12-15.

Conditions:
Hypercholesterolemia, autosomal dominant, type B (FHCL2). Also called: APOB-Related Familial Hypercholesterolemia, Autosomal Dominant; Hyperlipoproteinemia Type IIb; Familial Hypercholesterolemia Type B; APOLIPOPROTEIN B-100, FAMILIAL DEFECTIVE; APOLIPOPROTEIN B-100, FAMILIAL LIGAND-DEFECTIVE; HYPERCHOLESTEROLEMIA, FAMILIAL, DUE TO LIGAND-DEFECTIVE APOLIPOPROTEIN B. Identifiers: MedGen C1704417, MONDO:0007751, OMIM 144010.
Familial hypobetalipoproteinemia 1. Also called: Hypobetalipoproteinemia, normotriglyceridemic; Acanthocytosis with hypobetalipoproteinemia; APOB-Related Familial Hypobetalipoproteinemia. Identifiers: MedGen C4551990, MONDO:0014252, OMIM 615558.
Cardiovascular phenotype. Identifiers: MedGen CN230736.
Familial hypercholesterolemia. Also called: Familial hypercholesterolemias; Familial hypercholesterolaemia. Identifiers: MedGen C0020445, MONDO:0005439.
Hypercholesterolemia, familial, 1. Also called: LDL RECEPTOR DISORDER; Hyperlipoproteinemia Type IIa; HYPER-LOW-DENSITY-LIPOPROTEINEMIA; HYPERCHOLESTEROLEMIC XANTHOMATOSIS, FAMILIAL; Fredrickson type IIa hyperlipoproteinemia; Hyperlipoproteinemia type 2. Identifiers: Orphanet 391665, MedGen C0745103, MONDO:0007750, OMIM 143890.

Allele frequency attached by ClinVar (database versions not stated): gnomAD 0.00002 and 0.00080; TOPMed 0.00014; gnomAD exomes 0.00277; ExAC 0.00335; 1000 Genomes Project 0.00619; 1000 Genomes Project 30x 0.00625.
gnomAD v4.1: 2,047 of 1,614,056 alleles (0.13%); highest among the groups gnomAD compares: South Asian, 2.1%; 50 homozygotes.

Submissions (9):

Labcorp Genetics (formerly Invitae), Labcorp
Classification: Benign for Familial hypobetalipoproteinemia 1; Hypercholesterolemia, autosomal dominant, type B. Last evaluated: 2025-12-15. Review status: criteria provided, single submitter. Criteria: Invitae Variant Classification Sherloc (09022015). Collection method: clinical testing. Allele origin: germline.

GENinCode PLC
Classification: Benign for Familial hypercholesterolemia. Last evaluated: 2023-06-10. Review status: criteria provided, single submitter. Criteria: ACMG Guidelines, 2015. Collection method: clinical testing. Allele origin: germline.

Genetic Services Laboratory, University of Chicago
Classification: Likely benign. Last evaluated: 2019-03-11. Review status: criteria provided, single submitter. Criteria: ACMG Guidelines, 2015. Collection method: clinical testing. Allele origin: germline. Affected: no.

Illumina Laboratory Services, Illumina
Classification: Uncertain significance for Familial hypobetalipoproteinemia 1. Last evaluated: 2018-01-13. Review status: criteria provided, single submitter. Criteria: ICSL Variant Classification Criteria 13 December 2019. Collection method: clinical testing. Allele origin: germline.

Illumina Laboratory Services, Illumina
Classification: Likely benign for Hypercholesterolemia, autosomal dominant, type B. Last evaluated: 2018-01-13. Review status: criteria provided, single submitter. Criteria: ICSL Variant Classification Criteria 13 December 2019. Collection method: clinical testing. Allele origin: germline.
Comment: This variant was observed in the ICSL laboratory as part of a predisposition screen in an ostensibly healthy population. It had not been previously curated by ICSL or reported in the Human Gene Mutation Database (HGMD: prior to June 1st, 2018), and was therefore a candidate for classification through an automated scoring system. Utilizing variant allele frequency, disease prevalence and penetrance estimates, and inheritance mode, an automated score was calculated to assess if this variant is too frequent to cause the disease. Based on the score and internal cut-off values, a variant classified as likely benign is not then subjected to further curation. The score for this variant resulted in a classification of likely benign for this disease.

Robarts Research Institute, Western University
Classification: Likely benign for Hypercholesterolemia, familial, 1. Last evaluated: 2018-01-02. Review status: criteria provided, single submitter. Criteria: ACMG Guidelines, 2015. Collection method: clinical testing. Allele origin: germline. Inheritance: Autosomal dominant inheritance. Affected: yes.

Ambry Genetics
Classification: Benign for Cardiovascular phenotype. Last evaluated: 2017-01-20. Review status: criteria provided, single submitter. Criteria: Ambry Variant Classification Scheme 2023. Collection method: clinical testing. Allele origin: germline.

Clinical Genetics DNA and cytogenetics Diagnostics Lab, Erasmus MC, Erasmus Medical Center
Classification: Benign. Review status: no assertion criteria provided. Collection method: clinical testing. Allele origin: germline. Affected: yes. Study: VKGL Data-share Consensus. Not counted in ClinVar's aggregate classification.

Clinical Genetics, Academic Medical Center
Classification: Likely benign. Review status: no assertion criteria provided. Collection method: clinical testing. Allele origin: germline. Affected: yes. Study: VKGL Data-share Consensus. Not counted in ClinVar's aggregate classification.